The following is an entry in ClinVar:

NM_002880.4(RAF1):c.1458T>G (p.Asp486Glu)

Gene: RAF1 (Raf-1 proto-oncogene, serine/threonine kinase; minus strand). Cytogenetic location: 3p25.2.
Variant type: single nucleotide variant.
Coding change: c.1458T>G on transcript NM_002880.4 (MANE Select); coding-DNA position 1458, T replaced by G.
Protein change: p.Asp486Glu; replaces aspartic acid 486 with glutamic acid.
Molecular consequence: missense variant. On other transcripts: non-coding transcript variant (3).
Genome position (GRCh38, 1-based): chr3:12,585,759, A>C on the plus strand (T>G on the coding strand, the complement: RAF1 is on the minus strand). VCF-style: chr3-12585759-A-C. GRCh37 (hg19) VCF-style: chr3-12627258-A-C.
Other names: c.1518T>G, p.Asp506Glu (NM_001354689.3); c.1458T>G, p.Asp486Glu (NM_001354690.3); c.1215T>G, p.Asp405Glu (NM_001354691.3, NM_001354692.3); c.1359T>G, p.Asp453Glu (NM_001354693.3); c.1275T>G, p.Asp425Glu (NM_001354694.3); c.1116T>G, p.Asp372Glu (NM_001354695.3); short protein forms D372E, D405E, D425E, D453E, D486E, D506E.
Identifiers: ClinVar variation 4801590 (VCV004801590.1).

ClinVar aggregate classification (germline): Likely pathogenic (1 of 4 stars; one submission).

Conditions:
RASopathy. Also called: rasopathies; Noonan spectrum disorder. Identifiers: Orphanet 536391, MedGen C5555857, MONDO:0021060.

Submission:

Labcorp Genetics (formerly Invitae), Labcorp
Classification: Likely pathogenic for RASopathy. Last evaluated: 2025-08-01. Review status: criteria provided, single submitter. Criteria: Invitae Variant Classification Sherloc (09022015). Collection method: clinical testing. Allele origin: germline.
Comment: This sequence change replaces aspartic acid, which is acidic and polar, with glutamic acid, which is acidic and polar, at codon 486 of the RAF1 protein (p.Asp486Glu). This variant is not present in population databases (gnomAD no frequency). This variant has not been reported in the literature in individuals affected with RAF1-related conditions. Invitae Evidence Modeling of protein sequence and biophysical properties (such as structural, functional, and spatial information, amino acid conservation, physicochemical variation, residue mobility, and thermodynamic stability) indicates that this missense variant is expected to disrupt RAF1 protein function with a positive predictive value of 95%. This variant disrupts the p.Asp486 amino acid residue in RAF1. Other variant(s) that disrupt this residue have been determined to be pathogenic (PMID: 17603483, 23885229, 25862627). This suggests that this residue is clinically significant, and that variants that disrupt this residue are likely to be disease-causing. In summary, the currently available evidence indicates that the variant is pathogenic, but additional data are needed to prove that conclusively. Therefore, this variant has been classified as Likely Pathogenic.

Literature cited by the submitters: PubMed 17603483; PubMed 23885229; PubMed 25862627.